The following is an entry in ClinVar:

ClinVar aggregate classification (germline): Uncertain significance (1 of 4 stars; one submission).

Conditions:
Developmental and epileptic encephalopathy, 32 (DEE32). Also called: Epileptic encephalopathy, early infantile, 32. Identifiers: Orphanet 442835, MedGen C4225350, MONDO:0014607, OMIM 616366.

Submission:

Labcorp Genetics (formerly Invitae), Labcorp
Classification: Uncertain significance for Developmental and epileptic encephalopathy, 32. Last evaluated: 2024-01-16. Review status: criteria provided, single submitter. Criteria: Invitae Variant Classification Sherloc (09022015). Collection method: clinical testing. Allele origin: germline.
Comment: This sequence change replaces threonine, which is neutral and polar, with lysine, which is basic and polar, at codon 219 of the KCNA2 protein (p.Thr219Lys). This variant is not present in population databases (gnomAD no frequency). This variant has not been reported in the literature in individuals affected with KCNA2-related conditions. Advanced modeling of protein sequence and biophysical properties (such as structural, functional, and spatial information, amino acid conservation, physicochemical variation, residue mobility, and thermodynamic stability) performed at Invitae indicates that this missense variant is not expected to disrupt KCNA2 protein function with a negative predictive value of 80%. In summary, the available evidence is currently insufficient to determine the role of this variant in disease. Therefore, it has been classified as a Variant of Uncertain Significance.

NM_004974.4(KCNA2):c.656C>A (p.Thr219Lys)

Gene: KCNA2 (potassium voltage-gated channel subfamily A member 2; minus strand). Cytogenetic location: 1p13.3.
Variant type: single nucleotide variant.
Coding change: c.656C>A on transcript NM_004974.4 (MANE Select); coding-DNA position 656, C replaced by A.
Protein change: p.Thr219Lys; replaces threonine 219 with lysine.
Molecular consequence: missense variant.
Genome position (GRCh38, 1-based): chr1:110,604,127, G>T on the plus strand (C>A on the coding strand, the complement: KCNA2 is on the minus strand). VCF-style: chr1-110604127-G-T. GRCh37 (hg19) VCF-style: chr1-111146749-G-T.
Other names: c.656C>A, p.Thr219Lys (NM_001204269.2); short protein forms T219K.
Identifiers: ClinVar variation 2698376 (VCV002698376.3), dbSNP rs2101400204, ClinGen allele CA341603508.